The following is an entry in ClinVar:

ClinVar aggregate classification (germline): Pathogenic (1 of 4 stars; one submission).

Conditions:
Restrictive dermopathy 1 (RSDM1). Also called: RESTRICTIVE DERMOPATHY 1, LETHAL; FETAL HYPOKINESIA SEQUENCE DUE TO RESTRICTIVE DERMOPATHY; HYPERKERATOSIS-CONTRACTURE SYNDROME. Identifiers: MedGen C5676878, MONDO:0800042, OMIM 275210.

Allele frequency attached by ClinVar (database versions not stated): gnomAD exomes 0.00001.

Submission:

Victorian Clinical Genetics Services, Murdoch Childrens Research Institute
Classification: Pathogenic for Restrictive dermopathy 1. Last evaluated: 2023-07-17. Review status: criteria provided, single submitter. Criteria: ACMG Guidelines, 2015. Collection method: clinical testing. Allele origin: germline. Inheritance: Autosomal recessive inheritance. Affected: yes.
Comment: Based on the classification scheme VCGS_Germline_v1.3.4, this variant is classified as Pathogenic. Following criteria are met: 0102 - Loss of function is a known mechanism of disease in this gene and is associated with mandibuloacral dysplasia with type B lipodystrophy, (MAD-B; MIM#608612) and restrictive dermopathy 1, (RD; MIM#275210). (I) 0106 - This gene is associated with autosomal recessive disease. Variants that result in residual protein function lead to MAD-B, while complete loss-of-function alleles lead to RD (PMID: 22718200). (I) 0212 - Non-canonical splice site variant without proven consequence on splicing (no functional evidence available). (SP) 0251 - This variant is heterozygous. (I) 0301 - Variant is absent from gnomAD (both v2 and v3). (SP) 0505 - Abnormal splicing is predicted by in silico tools, however the affected nucleotide is lowly conserved. (I) 0710 - Another splite site variant comparable to the one identified in this case has inconclusive previous evidence for pathogenicity. c.1059+3A>G has been classified as a VUS in ClinVar. In addition, while it was not considered towards this variant’s classification, it was noted that c.1059+1G>T has been reported in an RD baby who was compound heterozygous with a null variant (PMID: 36386051). (I) 0807 - This variant has no previous evidence of pathogenicity. (I) 0905 - No published segregation evidence has been identified for this variant. (I) 1007 - No published functional evidence has been identified for this variant. (I) 1102 - Very strong and specific phenotype match for this individual. (SP) 1201 - Heterozygous variant detected in trans with a pathogenic heterozygous variant (NM_005857.3:c.1085dup; p.(Leu362Phefs*19)) in a recessive disease. (I) Legend: (SP) - Supporting pathogenic, (I) - Information, (SB) - Supporting benign

Literature cited by the submitters: PubMed 22718200; PubMed 36386051.

NM_005857.5(ZMPSTE24):c.1059+2dup

Gene: ZMPSTE24 (zinc metallopeptidase STE24; plus strand). Cytogenetic location: 1p34.2.
Variant type: Duplication.
Coding change: c.1059+2dup on transcript NM_005857.5 (MANE Select); the canonical splice donor site of the intron after coding-DNA position 1059, one base duplicated (T; older notation c.1059+2dupT).
Molecular consequence: splice donor variant.
Genome position (GRCh38, 1-based): chr1:40,286,031, T duplicated. VCF-style (leftmost placement, unchanged base first): chr1-40286030-G-GT. GRCh37 (hg19) VCF-style: chr1-40751702-G-GT.
Identifiers: ClinVar variation 3254941 (VCV003254941.1), dbSNP rs2522418687.